The following is an entry in ClinVar:

ClinVar aggregate classification (germline): Conflicting classifications of pathogenicity. Review status: criteria provided, conflicting classifications (1 of 4 stars). 3 submissions from 3 submitters: Uncertain significance (1); Benign (1); Likely benign (1). Last evaluated 2026-01-28.

Conditions:
Chédiak-Higashi syndrome (CHS). Also called: Chediak-Higashi Syndrome. Identifiers: Orphanet 167, MedGen C0007965, MONDO:0008963, OMIM 214500.

Submissions (3):

Labcorp Genetics (formerly Invitae), Labcorp
Classification: Benign for Chédiak-Higashi syndrome. Last evaluated: 2026-01-28. Review status: criteria provided, single submitter. Criteria: Invitae Variant Classification Sherloc (09022015). Collection method: clinical testing. Allele origin: germline.

Women's Health and Genetics/Laboratory Corporation of America, LabCorp
Classification: Likely benign. Last evaluated: 2024-10-25. Review status: criteria provided, single submitter. Criteria: LabCorp Variant Classification Summary - May 2015. Collection method: clinical testing. Allele origin: germline.
Comment: Variant summary: LYST c.3940-10dupT alters a non-conserved nucleotide located at a position not widely known to affect splicing. Consensus agreement among computation tools predict no significant impact on normal splicing. However, these predictions have yet to be confirmed by functional studies. The variant allele was found at a frequency of 5.7e-05 in 245066 control chromosomes (gnomAD). This frequency is not significantly higher than estimated for a pathogenic variant in LYST causing Chediak-Higashi Syndrome (5.7e-05 vs 0.0011), allowing no conclusion about variant significance. To our knowledge, no occurrence of c.3940-10dupT in individuals affected with Chediak-Higashi Syndrome and no experimental evidence demonstrating its impact on protein function have been reported. ClinVar contains an entry for this variant (Variation ID: 1164319). Based on the evidence outlined above, the variant was classified as likely benign.

Center for Genomics, Ann and Robert H. Lurie Children's Hospital of Chicago
Classification: Uncertain significance for Chédiak-Higashi syndrome. Last evaluated: 2022-02-16. Review status: criteria provided, single submitter. Criteria: ACMG Guidelines, 2015. Collection method: clinical testing. Allele origin: germline.
Comment: LYST NM_000081.3 intron 9 c.3940-10dup: This variant has not been reported in the literature but is present in 0.08% (35/41340) of African alleles in the Genome Aggregation Database. Evolutionary conservation and computational predictive tools for this variant are limited or unavailable. This variant is an intronic duplication of 1 nucleotide with no predicted change in the amino acid sequence but may have an unknown effect on splicing. Splice prediction tools do not suggest that this variant may affect splicing. However, further studies are needed to understand its impact. In summary, data on this variant is insufficient for disease classification. Therefore, the clinical significance of this variant is uncertain.

NM_000081.4(LYST):c.3940-17dup

Gene: LYST (lysosomal trafficking regulator; minus strand). Cytogenetic location: 1q42.3.
Variant type: Duplication.
Coding change: c.3940-17dup on transcript NM_000081.4 (MANE Select); 17 bases into the intron before coding-DNA position 3940, one base duplicated (T; older notation c.3940-17dupT).
Molecular consequence: intron variant.
Genome position (GRCh38, 1-based): chr1:235,800,396, A duplicated on the plus strand (T on the coding strand, the reverse complement: LYST is on the minus strand); the first of 8 consecutive A bases (chr1:235,800,396-235,800,403); duplicating any one gives the same sequence. VCF-style (leftmost placement, unchanged base first): chr1-235800395-T-TA. GRCh37 (hg19) VCF-style: chr1-235963695-T-TA.
Other names: c.3940-17dup (NM_001301365.1); c.3940-10dupT (NM_000081.4).
Identifiers: ClinVar variation 1164319 (VCV001164319.11), dbSNP rs755137786, ClinGen allele CA1466960.